The following is an entry in ClinVar:

NM_015295.3(SMCHD1):c.2179G>A (p.Gly727Arg)

Gene: SMCHD1 (structural maintenance of chromosomes flexible hinge domain containing 1; plus strand). Cytogenetic location: 18p11.32.
Variant type: single nucleotide variant.
Coding change: c.2179G>A on transcript NM_015295.3 (MANE Select); coding-DNA position 2179, G replaced by A.
Protein change: p.Gly727Arg; replaces glycine 727 with arginine.
Molecular consequence: missense variant.
Genome position (GRCh38, 1-based): chr18:2,707,839, G>A. VCF-style: chr18-2707839-G-A. GRCh37 (hg19) VCF-style: chr18-2707837-G-A.
Other names: short protein forms G727R.
Identifiers: ClinVar variation 1467662 (VCV001467662.8), dbSNP rs1418900866, ClinGen allele CA401680295.

ClinVar aggregate classification (germline): Uncertain significance (1 of 4 stars; one submission).

Conditions:
Facioscapulohumeral muscular dystrophy 2 (FSHD2). Also called: FACIOSCAPULOHUMERAL MUSCULAR DYSTROPHY 2, DIGENIC; FSHD2, DIGENIC; MUSCULAR DYSTROPHY, FACIOSCAPULOHUMERAL, TYPE 1B. Identifiers: Orphanet 269, MedGen C1834671, MONDO:0008031, OMIM 158901.

Submission:

Labcorp Genetics (formerly Invitae), Labcorp
Classification: Uncertain significance for Facioscapulohumeral muscular dystrophy 2. Last evaluated: 2021-04-10. Review status: criteria provided, single submitter. Criteria: Invitae Variant Classification Sherloc (09022015). Collection method: clinical testing. Allele origin: germline.
Comment: In summary, the available evidence is currently insufficient to determine the role of this variant in disease. Therefore, it has been classified as a Variant of Uncertain Significance. Algorithms developed to predict the effect of missense changes on protein structure and function (SIFT, PolyPhen-2, Align-GVGD) all suggest that this variant is likely to be disruptive, but these predictions have not been confirmed by published functional studies and their clinical significance is uncertain. This variant has not been reported in the literature in individuals with SMCHD1-related conditions. This variant is not present in population databases (ExAC no frequency). This sequence change replaces glycine with arginine at codon 727 of the SMCHD1 protein (p.Gly727Arg). The glycine residue is highly conserved and there is a moderate physicochemical difference between glycine and arginine.